The following is an entry in ClinVar:

ClinVar aggregate classification (germline): Pathogenic. Review status: criteria provided, single submitter (1 of 4 stars). 2 submissions from 2 submitters: Pathogenic (1). 1 of the submissions does not count toward it. Last evaluated 2022-03-04.

Conditions:
Ethylmalonic encephalopathy (EE). Also called: EPEMA syndrome; Encephalopathy, petechiae, and ethylmalonic aciduria; Syndrome of encephalopathy, petechiae, and ethylmalonic aciduria. Identifiers: Orphanet 51188, MedGen C1865349, MONDO:0011229, OMIM 602473. Disease mechanism: loss of function.

Submissions (2):

Labcorp Genetics (formerly Invitae), Labcorp
Classification: Pathogenic for Ethylmalonic encephalopathy. Last evaluated: 2022-03-04. Review status: criteria provided, single submitter. Criteria: Invitae Variant Classification Sherloc (09022015). Collection method: clinical testing. Allele origin: germline.
Comment: This variant is not present in population databases (gnomAD no frequency). For these reasons, this variant has been classified as Pathogenic. ClinVar contains an entry for this variant (Variation ID: 504491). This variant is also known as delC66. This premature translational stop signal has been observed in individual(s) with clinical features of ETHE1-related conditions (PMID: 16906473). This sequence change creates a premature translational stop signal (p.Ile23Serfs*10) in the ETHE1 gene. It is expected to result in an absent or disrupted protein product. Loss-of-function variants in ETHE1 are known to be pathogenic (PMID: 14732903, 19136963).

GeneReviews
No classification provided. Condition: Ethylmalonic encephalopathy. Review status: no classification provided. Collection method: literature only. Allele origin: germline. Not counted in ClinVar's aggregate classification.

Literature cited by the submitters: PubMed 16906473 (cited by Labcorp Genetics (formerly Invitae), Labcorp); PubMed 14732903 (cited by Labcorp Genetics (formerly Invitae), Labcorp); PubMed 19136963 (cited by Labcorp Genetics (formerly Invitae), Labcorp); NCBI Bookshelf NBK453432 (cited by GeneReviews); PubMed 28933811 (cited by GeneReviews).

NM_014297.5(ETHE1):c.66del (p.Ile23fs)

Gene: ETHE1 (ETHE1 persulfide dioxygenase; minus strand). Cytogenetic location: 19q13.31.
Variant type: Deletion.
Coding change: c.66del on transcript NM_014297.5 (MANE Select); coding-DNA position 66, one base deleted (C; older notation c.66delC).
Protein change: p.Ile23fs; shifts the reading frame from isoleucine 23.
Molecular consequence: frameshift variant. On other transcripts: 5 prime UTR variant (1).
Genome position (GRCh38, 1-based): chr19:43,527,112, G deleted on the plus strand (C on the coding strand, the reverse complement: ETHE1 is on the minus strand); the first of 5 consecutive G bases (chr19:43,527,112-43,527,116); deleting any one gives the same sequence. VCF-style (leftmost placement, unchanged base first): chr19-43527111-TG-T. GRCh37 (hg19) VCF-style: chr19-44031263-TG-T.
Other names: c.66del, p.Ile23fs (NM_001320867.2, NM_001320869.2); c.-155del (NM_001320868.2); short protein forms I23fs.
Identifiers: ClinVar variation 504491 (VCV000504491.10), dbSNP rs1555765689, ClinGen allele CA658799245.